The following is an entry in ClinVar:

NM_012193.4(FZD4):c.149T>G (p.Ile50Ser)

Gene: FZD4 (frizzled class receptor 4; minus strand). Cytogenetic location: 11q14.2.
Variant type: single nucleotide variant.
Coding change: c.149T>G on transcript NM_012193.4 (MANE Select); coding-DNA position 149, T replaced by G.
Protein change: p.Ile50Ser; replaces isoleucine 50 with serine.
Molecular consequence: missense variant.
Genome position (GRCh38, 1-based): chr11:86,954,937, A>C on the plus strand (T>G on the coding strand, the complement: FZD4 is on the minus strand). VCF-style: chr11-86954937-A-C. GRCh37 (hg19) VCF-style: chr11-86665979-A-C.
Other names: short protein forms I50S.
Identifiers: ClinVar variation 964629 (VCV000964629.9), dbSNP rs1457556917, ClinGen allele CA382018411.

ClinVar aggregate classification (germline): Uncertain significance (1 of 4 stars; one submission).

Submission:

Labcorp Genetics (formerly Invitae), Labcorp
Classification: Uncertain significance. Last evaluated: 2019-10-23. Review status: criteria provided, single submitter. Criteria: Invitae Variant Classification Sherloc (09022015). Collection method: clinical testing. Allele origin: germline.
Comment: Algorithms developed to predict the effect of sequence changes on RNA splicing suggest that this variant may create or strengthen a splice site, but this prediction has not been confirmed by published transcriptional studies. Algorithms developed to predict the effect of missense changes on protein structure and function (SIFT, PolyPhen-2, Align-GVGD) all suggest that this variant is likely to be disruptive, but these predictions have not been confirmed by published functional studies and their clinical significance is uncertain. This variant has not been reported in the literature in individuals with FZD4-related conditions. This variant is not present in population databases (ExAC no frequency). This sequence change replaces isoleucine with serine at codon 50 of the FZD4 protein (p.Ile50Ser). The isoleucine residue is highly conserved and there is a large physicochemical difference between isoleucine and serine. In summary, the available evidence is currently insufficient to determine the role of this variant in disease. Therefore, it has been classified as a Variant of Uncertain Significance.